The following is an entry in ClinVar:

ClinVar aggregate classification (germline): Uncertain significance (1 of 4 stars; one submission).

Conditions:
Rienhoff syndrome. Also called: LOEYS-DIETZ SYNDROME 5. Identifiers: MedGen C3810012, MONDO:0014262, OMIM 615582.

Submission:

Labcorp Genetics (formerly Invitae), Labcorp
Classification: Uncertain significance for Rienhoff syndrome. Last evaluated: 2022-09-27. Review status: criteria provided, single submitter. Criteria: Invitae Variant Classification Sherloc (09022015). Collection method: clinical testing. Allele origin: germline.
Comment: In summary, the available evidence is currently insufficient to determine the role of this variant in disease. Therefore, it has been classified as a Variant of Uncertain Significance. Advanced modeling of protein sequence and biophysical properties (such as structural, functional, and spatial information, amino acid conservation, physicochemical variation, residue mobility, and thermodynamic stability) performed at Invitae indicates that this missense variant is not expected to disrupt TGFB3 protein function. This variant has not been reported in the literature in individuals affected with TGFB3-related conditions. This variant is not present in population databases (gnomAD no frequency). This sequence change replaces isoleucine, which is neutral and non-polar, with leucine, which is neutral and non-polar, at codon 279 of the TGFB3 protein (p.Ile279Leu).

NM_003239.5(TGFB3):c.835A>C (p.Ile279Leu)

Gene: TGFB3 (transforming growth factor beta 3; minus strand). Cytogenetic location: 14q24.3.
Variant type: single nucleotide variant.
Coding change: c.835A>C on transcript NM_003239.5 (MANE Select); coding-DNA position 835, A replaced by C.
Protein change: p.Ile279Leu; replaces isoleucine 279 with leucine.
Molecular consequence: missense variant.
Genome position (GRCh38, 1-based): chr14:75,963,407, T>G on the plus strand (A>C on the coding strand, the complement: TGFB3 is on the minus strand). VCF-style: chr14-75963407-T-G. GRCh37 (hg19) VCF-style: chr14-76429750-T-G.
Other names: c.835A>C, p.Ile279Leu (NM_001329938.2, NM_001329939.2); short protein forms I279L.
Identifiers: ClinVar variation 2107174 (VCV002107174.4), dbSNP rs2504099954, ClinGen allele CA390468449.